The following is an entry in ClinVar:

ClinVar aggregate classification (germline): Uncertain significance (1 of 4 stars; one submission).

gnomAD v4.1: 12 of 1,613,834 alleles (0.00074%); highest among the groups gnomAD compares: African/African-American, 0.004%; no homozygotes.

Submission:

Labcorp Genetics (formerly Invitae), Labcorp
Classification: Uncertain significance. Last evaluated: 2024-12-24. Review status: criteria provided, single submitter. Criteria: Invitae Variant Classification Sherloc (09022015). Collection method: clinical testing. Allele origin: germline.
Comment: This sequence change falls in intron 3 of the USB1 gene. It does not directly change the encoded amino acid sequence of the USB1 protein. It affects a nucleotide within the consensus splice site. This variant is present in population databases (no rsID available, gnomAD 0.007%). This variant has not been reported in the literature in individuals affected with USB1-related conditions. Variants that disrupt the consensus splice site are a relatively common cause of aberrant splicing (PMID: 17576681, 9536098). Algorithms developed to predict the effect of sequence changes on RNA splicing suggest that this variant is not likely to affect RNA splicing. In summary, the available evidence is currently insufficient to determine the role of this variant in disease. Therefore, it has been classified as a Variant of Uncertain Significance.

Literature cited by the submitters: PubMed 17576681; PubMed 9536098.

NM_024598.4(USB1):c.449+3G>A

Gene: USB1 (U6 snRNA biogenesis phosphodiesterase 1; plus strand). Cytogenetic location: 16q21.
Variant type: single nucleotide variant.
Coding change: c.449+3G>A on transcript NM_024598.4 (MANE Select); 3 bases into the intron after coding-DNA position 449, G replaced by A.
Molecular consequence: intron variant.
Genome position (GRCh38, 1-based): chr16:58,010,115, G>A. VCF-style: chr16-58010115-G-A. GRCh37 (hg19) VCF-style: chr16-58044019-G-A.
Other names: c.296+3G>A (NM_001330568.2); c.449+3G>A (NM_001195302.2, NM_001204911.2, NM_001330569.2).
Identifiers: ClinVar variation 3704204 (VCV003704204.2).